The following is an entry in ClinVar:

NM_013275.6(ANKRD11):c.6274G>A (p.Val2092Met)

Gene: ANKRD11 (ankyrin repeat domain 11; minus strand). Cytogenetic location: 16q24.3.
Variant type: single nucleotide variant.
Coding change: c.6274G>A on transcript NM_013275.6 (MANE Select); coding-DNA position 6274, G replaced by A.
Protein change: p.Val2092Met; replaces valine 2092 with methionine.
Molecular consequence: missense variant.
Genome position (GRCh38, 1-based): chr16:89,280,268, C>T on the plus strand (G>A on the coding strand, the complement: ANKRD11 is on the minus strand). VCF-style: chr16-89280268-C-T. GRCh37 (hg19) VCF-style: chr16-89346676-C-T.
Other names: c.6274G>A, p.Val2092Met (NM_001256182.2, NM_001256183.2); short protein forms V2092M.
Identifiers: ClinVar variation 1958129 (VCV001958129.5), dbSNP rs769035062, ClinGen allele CA397151474.

ClinVar aggregate classification (germline): Uncertain significance (1 of 4 stars; one submission).

Conditions:
KBG syndrome (KBGS). Also called: ANKRD11-Related KBG Syndrome. Identifiers: Orphanet 2332, MedGen C0220687, MONDO:0007846, OMIM 148050.

gnomAD v4.1: 10 of 1,609,264 alleles (0.00062%); highest among the groups gnomAD compares: Non-Finnish European, 0.00085%; no homozygotes.

Submission:

Labcorp Genetics (formerly Invitae), Labcorp
Classification: Uncertain significance for KBG syndrome. Last evaluated: 2022-10-13. Review status: criteria provided, single submitter. Criteria: Invitae Variant Classification Sherloc (09022015). Collection method: clinical testing. Allele origin: germline.
Comment: Advanced modeling of protein sequence and biophysical properties (such as structural, functional, and spatial information, amino acid conservation, physicochemical variation, residue mobility, and thermodynamic stability) performed at Invitae indicates that this missense variant is not expected to disrupt ANKRD11 protein function. This variant has not been reported in the literature in individuals affected with ANKRD11-related conditions. This variant is present in population databases (no rsID available, gnomAD 0.001%). This sequence change replaces valine, which is neutral and non-polar, with methionine, which is neutral and non-polar, at codon 2092 of the ANKRD11 protein (p.Val2092Met). In summary, the available evidence is currently insufficient to determine the role of this variant in disease. Therefore, it has been classified as a Variant of Uncertain Significance.